The following is an entry in ClinVar:

ClinVar aggregate classification (germline): Conflicting classifications of pathogenicity. Review status: criteria provided, conflicting classifications (1 of 4 stars). 2 submissions from 2 submitters: Uncertain significance (1); Likely benign (1). Last evaluated 2024-08-19.

Conditions:
Heterotopia, periventricular, X-linked dominant (PVNH1). Also called: PERIVENTRICULAR NODULAR HETEROTOPIA 1; X-linked periventricular heterotopia; PERIVENTRICULAR NODULAR HETEROTOPIA 4; HETEROTOPIA, PERIVENTRICULAR, 1. Identifiers: Orphanet 2149, Orphanet 82004, MedGen C1848213, MONDO:0010233, OMIM 300049.
Melnick-Needles syndrome (MNS). Also called: MELNICK-NEEDLES OSTEODYSPLASTY; OSTEODYSPLASTY OF MELNICK AND NEEDLES; Melnick-Needles Syndrome (FLNA-MNS). Identifiers: Orphanet 2484, MedGen C0025237, MONDO:0010650, OMIM 309350.
Frontometaphyseal dysplasia (FMD1). Identifiers: Orphanet 1826, MedGen C0265293, MONDO:0015942.
Oto-palato-digital syndrome, type II (OPD2). Also called: FACIOPALATOOSSEOUS SYNDROME; OPD II SYNDROME; Otopalatodigital Syndrome Type 2 (FLNA-OPD2); Otopalatodigital Syndrome, Type II. Identifiers: Orphanet 669, Orphanet 90652, MedGen C1844696, MONDO:0010571, OMIM 304120.

gnomAD v4.1: 1 of 1,209,763 alleles (0.000083%); highest among the groups gnomAD compares: Non-Finnish European, 0.00011%; no homozygotes.

Submissions (2):

Labcorp Genetics (formerly Invitae), Labcorp
Classification: Uncertain significance for Oto-palato-digital syndrome, type II; Heterotopia, periventricular, X-linked dominant; Frontometaphyseal dysplasia; Melnick-Needles syndrome. Last evaluated: 2024-08-19. Review status: criteria provided, single submitter. Criteria: Invitae Variant Classification Sherloc (09022015). Collection method: clinical testing. Allele origin: germline.
Comment: This sequence change replaces glutamine, which is neutral and polar, with arginine, which is basic and polar, at codon 941 of the FLNA protein (p.Gln941Arg). This variant is not present in population databases (gnomAD no frequency). This variant has not been reported in the literature in individuals affected with FLNA-related conditions. ClinVar contains an entry for this variant (Variation ID: 1214444). Invitae Evidence Modeling of protein sequence and biophysical properties (such as structural, functional, and spatial information, amino acid conservation, physicochemical variation, residue mobility, and thermodynamic stability) indicates that this missense variant is not expected to disrupt FLNA protein function with a negative predictive value of 95%. In summary, the available evidence is currently insufficient to determine the role of this variant in disease. Therefore, it has been classified as a Variant of Uncertain Significance.

GeneDx
Classification: Likely benign. Last evaluated: 2020-01-27. Review status: criteria provided, single submitter. Criteria: GeneDx Variant Classification Process June 2021. Collection method: clinical testing. Allele origin: germline. Affected: yes.
Comment: Not observed in large population cohorts (Lek et al., 2016); In silico analysis, which includes protein predictors and evolutionary conservation, supports that this variant does not alter protein structure/function; Has not been previously published as pathogenic or benign to our knowledge

NM_001110556.2(FLNA):c.2822A>G (p.Gln941Arg)

Gene: FLNA (filamin A; minus strand). Cytogenetic location: Xq28.
Variant type: single nucleotide variant.
Coding change: c.2822A>G on transcript NM_001110556.2 (MANE Select); coding-DNA position 2822, A replaced by G.
Protein change: p.Gln941Arg; replaces glutamine 941 with arginine.
Molecular consequence: missense variant.
Genome position (GRCh38, 1-based): chrX:154,361,983, T>C on the plus strand (A>G on the coding strand, the complement: FLNA is on the minus strand). VCF-style: chrX-154361983-T-C. GRCh37 (hg19) VCF-style: chrX-153590351-T-C.
Other names: c.2822A>G, p.Gln941Arg (NM_001456.4); short protein forms Q941R.
Identifiers: ClinVar variation 1214444 (VCV001214444.5), dbSNP rs2148113975, ClinGen allele CA415232217.
Genomic context (GRCh38, chrX:154,361,983, plus strand): 5'-AGGCTGCTGCATGAGGAGGCTGGGGACTCGGTGACTGTAGTGGAGGGTGTGGCTACCTGC[T>C]GGACAGGCGTGTACTTGACTGTGTAGGTGTTGTCATGGTGGTCGATGATGTCCACATCTC-3'
Protein context (NP_001104026.1, residues 931-951): NTYTVKYTPV[Gln941Arg]QGPVGVNVTY